The following is an entry in ClinVar:

NM_152743.4(BRAT1):c.7C>T (p.Pro3Ser)

Gene: BRAT1 (BRCA1 associated ATM activator 1; minus strand). Cytogenetic location: 7p22.3.
Variant type: single nucleotide variant.
Coding change: c.7C>T on transcript NM_152743.4 (MANE Select); coding-DNA position 7, C replaced by T.
Protein change: p.Pro3Ser; replaces proline 3 with serine.
Molecular consequence: missense variant. On other transcripts: 5 prime UTR variant (1), non-coding transcript variant (1).
Genome position (GRCh38, 1-based): chr7:2,554,425, G>A on the plus strand (C>T on the coding strand, the complement: BRAT1 is on the minus strand). VCF-style: chr7-2554425-G-A. GRCh37 (hg19) VCF-style: chr7-2594059-G-A.
Other names: c.7C>T, p.Pro3Ser (NM_001350626.2); c.-371C>T (NM_001350627.2); short protein forms P3S.
Identifiers: ClinVar variation 1417424 (VCV001417424.6), dbSNP rs1780260621, ClinGen allele CA366633643.

ClinVar aggregate classification (germline): Uncertain significance (1 of 4 stars; one submission).

Conditions:
Neonatal-onset encephalopathy with rigidity and seizures. Also called: Lethal neonatal spasticity-epileptic encephalopathy syndrome. Identifiers: Orphanet 435845, MedGen C3281029, MONDO:0013784, OMIM 614498.

Allele frequency attached by ClinVar (database versions not stated): gnomAD exomes below 0.00001.

Submission:

Labcorp Genetics (formerly Invitae), Labcorp
Classification: Uncertain significance for Neonatal-onset encephalopathy with rigidity and seizures. Last evaluated: 2021-02-18. Review status: criteria provided, single submitter. Criteria: Invitae Variant Classification Sherloc (09022015). Collection method: clinical testing. Allele origin: germline.
Comment: In summary, the available evidence is currently insufficient to determine the role of this variant in disease. Therefore, it has been classified as a Variant of Uncertain Significance. Algorithms developed to predict the effect of missense changes on protein structure and function (SIFT, PolyPhen-2, Align-GVGD) all suggest that this variant is likely to be tolerated, but these predictions have not been confirmed by published functional studies and their clinical significance is uncertain. This variant has not been reported in the literature in individuals with BRAT1-related conditions. This variant is not present in population databases (ExAC no frequency). This sequence change replaces proline with serine at codon 3 of the BRAT1 protein (p.Pro3Ser). The proline residue is moderately conserved and there is a moderate physicochemical difference between proline and serine.